The following is an entry in ClinVar:

ClinVar aggregate classification (germline): Benign (1 of 4 stars; one submission).

Conditions:
Familial cancer of breast. Also called: hereditary breast carcinoma; Hereditary breast cancer; BREAST CANCER, FAMILIAL. Identifiers: Orphanet 227535, MedGen C0346153, MONDO:0016419, OMIM 114480. Disease mechanism: loss of function.

gnomAD v4.1: 1 of 1,610,488 alleles (0.000062%); highest among the groups gnomAD compares: East Asian, 0.0022%; no homozygotes.

Submission:

Myriad Genetics, Inc.
Classification: Benign for Familial cancer of breast. Last evaluated: 2024-07-18. Review status: criteria provided, single submitter. Criteria: Myriad Autosomal Dominant, Autosomal Recessive and X-Linked Classification Criteria (2023). Collection method: clinical testing. Allele origin: unknown.
Comment: This variant is considered benign. This variant is a silent/synonymous amino acid change and it is not expected to impact splicing.

NM_000465.4(BARD1):c.213T>C (p.Cys71=)

Gene: BARD1 (BRCA1 associated RING domain 1; minus strand). Cytogenetic location: 2q35.
Variant type: single nucleotide variant.
Coding change: c.213T>C on transcript NM_000465.4 (MANE Select); coding-DNA position 213, T replaced by C.
Protein change: p.Cys71=; no amino-acid change (cysteine 71 retained).
Molecular consequence: synonymous variant. On other transcripts: non-coding transcript variant (2), intron variant (2).
Genome position (GRCh38, 1-based): chr2:214,797,063, A>G on the plus strand (T>C on the coding strand, the complement: BARD1 is on the minus strand). VCF-style: chr2-214797063-A-G. GRCh37 (hg19) VCF-style: chr2-215661787-A-G.
Other names: c.213T>C, p.Cys71= (NM_001282545.2, NM_001282549.2); c.158+12349T>C (NM_001282548.2); c.159-4618T>C (NM_001282543.2).
Identifiers: ClinVar variation 3378789 (VCV003378789.1).
Genomic context (GRCh38, chr2:214,797,063, plus strand): 5'-GATTGTTATCTAGTAAAAAATACAGTTGTACTATATACATCAAACCGTAATTACTTACCT[A>G]CAGAAGATGTGCTCACATCCTCCTAAACACACAGGCTCTCTCAGAATGTTAGTACTGTTT-3'
Protein context (NP_000456.2, residues 61-81): VCLGGCEHIF[Cys71=]SNCVSDCIGT